The following is an entry in ClinVar:

ClinVar aggregate classification (germline): Uncertain significance. Review status: criteria provided, multiple submitters, no conflicts (2 of 4 stars). 3 submissions from 3 submitters: Uncertain significance (3). Last evaluated 2025-09-24.

Conditions:
RYR1-related disorder. Also called: RYR1-related condition; RYR1-related disorders. Identifiers: MedGen CN239331.
Inborn genetic diseases. Identifiers: MedGen C0950123, MeSH D030342.

Allele frequency attached by ClinVar (database versions not stated): gnomAD exomes below 0.00001.
gnomAD v4.1: 1 of 1,611,230 alleles (0.000062%); highest among the groups gnomAD compares: Admixed American, 0.0017%; no homozygotes.

Submissions (3):

GeneDx
Classification: Uncertain significance. Last evaluated: 2025-09-24. Review status: criteria provided, single submitter. Criteria: GeneDx Variant Classification Process June 2021. Collection method: clinical testing. Allele origin: germline.
Comment: Not observed at significant frequency in large population cohorts (gnomAD); In silico analysis supports that this missense variant has a deleterious effect on protein structure/function; Has not been previously published as pathogenic or benign to our knowledge

Ambry Genetics
Classification: Uncertain significance for Inborn genetic diseases. Last evaluated: 2025-06-24. Review status: criteria provided, single submitter. Criteria: Ambry Variant Classification Scheme 2023. Collection method: clinical testing. Allele origin: germline.

Labcorp Genetics (formerly Invitae), Labcorp
Classification: Uncertain significance for RYR1-related disorder. Last evaluated: 2022-07-19. Review status: criteria provided, single submitter. Criteria: Invitae Variant Classification Sherloc (09022015). Collection method: clinical testing. Allele origin: germline.
Comment: This sequence change replaces leucine, which is neutral and non-polar, with proline, which is neutral and non-polar, at codon 2554 of the RYR1 protein (p.Leu2554Pro). The frequency data for this variant in the population databases is considered unreliable, as metrics indicate poor data quality at this position in the gnomAD database. This variant has not been reported in the literature in individuals affected with RYR1-related conditions. ClinVar contains an entry for this variant (Variation ID: 478274). In summary, the available evidence is currently insufficient to determine the role of this variant in disease. Therefore, it has been classified as a Variant of Uncertain Significance. Algorithms developed to predict the effect of missense changes on protein structure and function are either unavailable or do not agree on the potential impact of this missense change (SIFT: "Deleterious"; PolyPhen-2: "Benign"; Align-GVGD: "Class C0").

NM_000540.3(RYR1):c.7661T>C (p.Leu2554Pro)

Gene: RYR1 (ryanodine receptor 1; plus strand). Cytogenetic location: 19q13.2.
Variant type: single nucleotide variant.
Coding change: c.7661T>C on transcript NM_000540.3 (MANE Select); coding-DNA position 7661, T replaced by C.
Protein change: p.Leu2554Pro; replaces leucine 2554 with proline.
Molecular consequence: missense variant.
Genome position (GRCh38, 1-based): chr19:38,502,553, T>C. VCF-style: chr19-38502553-T-C. GRCh37 (hg19) VCF-style: chr19-38993193-T-C.
Other names: c.7661T>C, p.Leu2554Pro (NM_001042723.2); short protein forms L2554P.
Identifiers: ClinVar variation 478274 (VCV000478274.11), dbSNP rs1292252892, ClinGen allele CA405671527.
Genomic context (GRCh38, chr19:38,502,553, plus strand): 5'-ACCCTGCGCCCTAGGCCACTTTCAGCACCACCGAGATGGCGCTGGCGCTGAACCGCTACC[T>C]GTGCCTGGCCGTGCTGCCGCTCATCACCAAGTGTGCGCCGCTCTTTGCGGGCACAGAACA-3'
Protein context (NP_000531.2, residues 2544-2564): TEMALALNRY[Leu2554Pro]CLAVLPLITK